The following is an entry in ClinVar:

ClinVar aggregate classification (germline): Uncertain significance (1 of 4 stars; one submission).

Submission:

GeneDx
Classification: Uncertain significance. Last evaluated: 2022-09-06. Review status: criteria provided, single submitter. Criteria: GeneDx Variant Classification Process June 2021. Collection method: clinical testing. Allele origin: germline. Affected: yes.
Comment: Not observed at significant frequency in large population cohorts (gnomAD); In silico analysis supports that this missense variant has a deleterious effect on protein structure/function; Has not been previously published as pathogenic or benign to our knowledge

NM_001466.4(FZD2):c.809T>C (p.Met270Thr)

Gene: FZD2 (frizzled class receptor 2; plus strand). Cytogenetic location: 17q21.31.
Variant type: single nucleotide variant.
Coding change: c.809T>C on transcript NM_001466.4 (MANE Select); coding-DNA position 809, T replaced by C.
Protein change: p.Met270Thr; replaces methionine 270 with threonine.
Molecular consequence: missense variant.
Genome position (GRCh38, 1-based): chr17:44,558,497, T>C. VCF-style: chr17-44558497-T-C. GRCh37 (hg19) VCF-style: chr17-42635865-T-C.
Other names: short protein forms M270T.
Identifiers: ClinVar variation 2444708 (VCV002444708.1), dbSNP rs753278694, ClinGen allele CA399794864.